The following is an entry in ClinVar:

NM_001378454.1(ALMS1):c.3604T>C (p.Tyr1202His)

Gene: ALMS1 (ALMS1 centrosome and basal body associated protein; plus strand). Cytogenetic location: 2p13.1.
Variant type: single nucleotide variant.
Coding change: c.3604T>C on transcript NM_001378454.1 (MANE Select); coding-DNA position 3604, T replaced by C.
Protein change: p.Tyr1202His; replaces tyrosine 1202 with histidine.
Molecular consequence: missense variant.
Genome position (GRCh38, 1-based): chr2:73,450,131, T>C. VCF-style: chr2-73450131-T-C. GRCh37 (hg19) VCF-style: chr2-73677258-T-C.
Other names: c.3607T>C, p.Tyr1203His (NM_015120.4); short protein forms Y1202H, Y1203H.
Identifiers: ClinVar variation 1054062 (VCV001054062.14), dbSNP rs766931841, ClinGen allele CA1713554.

ClinVar aggregate classification (germline): Uncertain significance. Review status: criteria provided, multiple submitters, no conflicts (2 of 4 stars). 4 submissions from 4 submitters: Uncertain significance (3). 1 of the submissions does not count toward it. Last evaluated 2024-10-11.

Conditions:
Alstrom syndrome (ALMS). Identifiers: Orphanet 64, MedGen C0268425, MONDO:0008763, OMIM 203800.
Cardiovascular phenotype. Identifiers: MedGen CN230736.

Allele frequency attached by ClinVar (database versions not stated): gnomAD 0.00001; gnomAD exomes 0.00001 and 0.00002; ExAC 0.00002.
gnomAD v4.1: 11 of 1,614,068 alleles (0.00068%); highest among the groups gnomAD compares: South Asian, 0.0088%; no homozygotes.

Submissions (4):

Ambry Genetics
Classification: Uncertain significance for Cardiovascular phenotype. Last evaluated: 2024-10-11. Review status: criteria provided, single submitter. Criteria: Ambry Variant Classification Scheme 2023. Collection method: clinical testing. Allele origin: germline.
Comment: The p.Y1203H variant (also known as c.3607T>C), located in coding exon 8 of the ALMS1 gene, results from a T to C substitution at nucleotide position 3607. The tyrosine at codon 1203 is replaced by histidine, an amino acid with similar properties. This amino acid position is not well conserved in available vertebrate species. In addition, this alteration is predicted to be tolerated by in silico analysis. Based on the available evidence, the clinical significance of this variant remains unclear.

Blueprint Genetics
Classification: Uncertain significance. Last evaluated: 2024-05-21. Review status: criteria provided, single submitter. Criteria: ACMG Guidelines, 2015. Collection method: clinical testing. Allele origin: germline.

Labcorp Genetics (formerly Invitae), Labcorp
Classification: Uncertain significance for Alstrom syndrome. Last evaluated: 2022-10-03. Review status: criteria provided, single submitter. Criteria: Invitae Variant Classification Sherloc (09022015). Collection method: clinical testing. Allele origin: germline.
Comment: This sequence change replaces tyrosine, which is neutral and polar, with histidine, which is basic and polar, at codon 1203 of the ALMS1 protein (p.Tyr1203His). This variant is present in population databases (rs766931841, gnomAD 0.02%). This variant has not been reported in the literature in individuals affected with ALMS1-related conditions. ClinVar contains an entry for this variant (Variation ID: 1054062). Experimental studies and prediction algorithms are not available or were not evaluated, and the functional significance of this variant is currently unknown. In summary, the available evidence is currently insufficient to determine the role of this variant in disease. Therefore, it has been classified as a Variant of Uncertain Significance.

Natera, Inc.
Classification: Uncertain significance for Alstrom syndrome. Last evaluated: 2020-12-01. Review status: no assertion criteria provided. Collection method: clinical testing. Allele origin: germline. Not counted in ClinVar's aggregate classification.